The following is an entry in ClinVar:

ClinVar aggregate classification (germline): Uncertain significance (1 of 4 stars; one submission).

Conditions:
Symmetrical dyschromatosis of extremities (DSH). Also called: RETICULATE ACROPIGMENTATION OF DOHI; SYMMETRIC DYSCHROMATOSIS OF THE EXTREMITIES; Dyschromatosis symmetrica hereditaria; DYSCHROMATOSIS SYMMETRICA HEREDITARIA 1. Identifiers: Orphanet 41, MedGen C0406775, MONDO:0007483, OMIM 127400.
Aicardi-Goutieres syndrome 6 (AGS6). Identifiers: Orphanet 51, MedGen C3539013, MONDO:0014007, OMIM 615010.

gnomAD v4.1: 2 of 1,614,028 alleles (0.00012%); highest among the groups gnomAD compares: Non-Finnish European, 0.00017%; no homozygotes.

Submission:

Labcorp Genetics (formerly Invitae), Labcorp
Classification: Uncertain significance for Aicardi-Goutieres syndrome 6; Symmetrical dyschromatosis of extremities. Last evaluated: 2024-02-26. Review status: criteria provided, single submitter. Criteria: Invitae Variant Classification Sherloc (09022015). Collection method: clinical testing. Allele origin: germline.
Comment: This sequence change replaces arginine, which is basic and polar, with serine, which is neutral and polar, at codon 116 of the ADAR protein (p.Arg116Ser). This variant is not present in population databases (gnomAD no frequency). This variant has not been reported in the literature in individuals affected with ADAR-related conditions. An algorithm developed to predict the effect of missense changes on protein structure and function (PolyPhen-2) suggests that this variant is likely to be tolerated. In summary, the available evidence is currently insufficient to determine the role of this variant in disease. Therefore, it has been classified as a Variant of Uncertain Significance.

NM_001111.5(ADAR):c.348G>C (p.Arg116Ser)

Gene: ADAR (adenosine deaminase RNA specific; minus strand). Cytogenetic location: 1q21.3.
Variant type: single nucleotide variant.
Coding change: c.348G>C on transcript NM_001111.5 (MANE Select); coding-DNA position 348, G replaced by C.
Protein change: p.Arg116Ser; replaces arginine 116 with serine.
Molecular consequence: missense variant. On other transcripts: 5 prime UTR variant (3), intron variant (3).
Genome position (GRCh38, 1-based): chr1:154,602,294, C>G on the plus strand (G>C on the coding strand, the complement: ADAR is on the minus strand). VCF-style: chr1-154602294-C-G. GRCh37 (hg19) VCF-style: chr1-154574770-C-G.
Other names: c.-538G>C (NM_001025107.3, NM_001193495.2, NM_001365048.1); c.375G>C, p.Arg125Ser (NM_001365045.1); c.348G>C, p.Arg116Ser (NM_015840.4, NM_015841.4); c.-492-46G>C (NM_001365046.1, NM_001365049.1, NM_001365047.1); short protein forms R125S, R116S.
Identifiers: ClinVar variation 2937426 (VCV002937426.3), dbSNP rs2526667517, ClinGen allele CA342604084.
Genomic context (GRCh38, chr1:154,602,294, plus strand): 5'-GTAGATACTCAGTTCCTGGAAATGTGAGGAAAGGCAATCAACACCTCTCTGTGGCAGACT[C>G]CTGCCACGTGGTGAAGGATGCTGGAACCCTCTCTGGAGCCCCTGACTTCTGAGATGCACG-3'
Protein context (NP_001102.3, residues 106-126): RGFQHPSPRG[Arg116Ser]SLPQRGVDCL